The following is an entry in ClinVar:

ClinVar aggregate classification (germline): Uncertain significance. Review status: criteria provided, multiple submitters, no conflicts (2 of 4 stars). 2 submissions from 2 submitters: Uncertain significance (2). Last evaluated 2025-06-24.

Allele frequency attached by ClinVar (database versions not stated): ExAC 0.00001; gnomAD exomes 0.00001; TOPMed 0.00001; ESP Exome Variant Server 0.00008.
gnomAD v4.1: 6 of 1,613,768 alleles (0.00037%); highest among the groups gnomAD compares: Non-Finnish European, 0.00051%; no homozygotes.

Submissions (2):

Ambry Genetics
Classification: Uncertain significance. Last evaluated: 2025-06-24. Review status: criteria provided, single submitter. Criteria: Ambry Variant Classification Scheme 2023. Collection method: clinical testing. Allele origin: germline.

Labcorp Genetics (formerly Invitae), Labcorp
Classification: Uncertain significance. Last evaluated: 2023-12-07. Review status: criteria provided, single submitter. Criteria: Invitae Variant Classification Sherloc (09022015). Collection method: clinical testing. Allele origin: germline.
Comment: This sequence change replaces threonine, which is neutral and polar, with serine, which is neutral and polar, at codon 3459 of the HMCN1 protein (p.Thr3459Ser). This variant is present in population databases (rs368156683, gnomAD 0.0009%). This variant has not been reported in the literature in individuals affected with HMCN1-related conditions. ClinVar contains an entry for this variant (Variation ID: 2186652). An algorithm developed to predict the effect of missense changes on protein structure and function (PolyPhen-2) suggests that this variant is likely to be tolerated. In summary, the available evidence is currently insufficient to determine the role of this variant in disease. Therefore, it has been classified as a Variant of Uncertain Significance.

NM_031935.3(HMCN1):c.10376C>G (p.Thr3459Ser)

Gene: HMCN1 (hemicentin 1; plus strand). Cytogenetic location: 1q31.1.
Variant type: single nucleotide variant.
Coding change: c.10376C>G on transcript NM_031935.3 (MANE Select); coding-DNA position 10376, C replaced by G.
Protein change: p.Thr3459Ser; replaces threonine 3459 with serine.
Molecular consequence: missense variant.
Genome position (GRCh38, 1-based): chr1:186,095,324, C>G. VCF-style: chr1-186095324-C-G. GRCh37 (hg19) VCF-style: chr1-186064456-C-G.
Other names: c.10376C>G (NM_031935.2); short protein forms T3459S.
Identifiers: ClinVar variation 2186652 (VCV002186652.5), dbSNP rs368156683, ClinGen allele CA1293712.